The following is an entry in ClinVar:

ClinVar aggregate classification (germline): Uncertain significance (1 of 4 stars; one submission).

Submission:

GeneDx
Classification: Uncertain significance. Last evaluated: 2025-06-16. Review status: criteria provided, single submitter. Criteria: GeneDx Variant Classification Process June 2021. Collection method: clinical testing. Allele origin: germline. Affected: yes.
Comment: Not observed at significant frequency in large population cohorts (gnomAD); In silico analysis supports that this missense variant has a deleterious effect on protein structure/function; Has not been previously published as pathogenic or benign to our knowledge

NM_001114753.3(ENG):c.770C>A (p.Pro257His)

Gene: ENG (endoglin; minus strand). Cytogenetic location: 9q34.11.
Variant type: single nucleotide variant.
Coding change: c.770C>A on transcript NM_001114753.3 (MANE Select); coding-DNA position 770, C replaced by A.
Protein change: p.Pro257His; replaces proline 257 with histidine.
Molecular consequence: missense variant.
Genome position (GRCh38, 1-based): chr9:127,825,277, G>T on the plus strand (C>A on the coding strand, the complement: ENG is on the minus strand). VCF-style: chr9-127825277-G-T. GRCh37 (hg19) VCF-style: chr9-130587556-G-T.
Other names: c.770C>A, p.Pro257His (NM_000118.4, NM_001406715.1); c.224C>A, p.Pro75His (NM_001278138.2); short protein forms P257H, P75H.
Identifiers: ClinVar variation 4540093 (VCV004540093.1).